The following is an entry in ClinVar:

NM_020533.3(MCOLN1):c.1062G>T (p.Trp354Cys)

Gene: MCOLN1 (mucolipin TRP cation channel 1; plus strand). Cytogenetic location: 19p13.2.
Variant type: single nucleotide variant.
Coding change: c.1062G>T on transcript NM_020533.3 (MANE Select); coding-DNA position 1062, G replaced by T.
Protein change: p.Trp354Cys; replaces tryptophan 354 with cysteine.
Molecular consequence: missense variant.
Genome position (GRCh38, 1-based): chr19:7,528,898, G>T. VCF-style: chr19-7528898-G-T. GRCh37 (hg19) VCF-style: chr19-7593784-G-T.
Other names: short protein forms W354C.
Identifiers: ClinVar variation 1359278 (VCV001359278.6), dbSNP rs2146024799, ClinGen allele CA403085999.

ClinVar aggregate classification (germline): Uncertain significance (1 of 4 stars; one submission).

Conditions:
Mucolipidosis type IV (ML4). Also called: ML IV. Identifiers: Orphanet 578, MedGen C0238286, MONDO:0009653, OMIM 252650.

gnomAD v4.1: 1 of 1,614,140 alleles (0.000062%); highest among the groups gnomAD compares: Non-Finnish European, 0.000085%; no homozygotes.

Submission:

Labcorp Genetics (formerly Invitae), Labcorp
Classification: Uncertain significance for Mucolipidosis type IV. Last evaluated: 2024-10-08. Review status: criteria provided, single submitter. Criteria: Invitae Variant Classification Sherloc (09022015). Collection method: clinical testing. Allele origin: germline.
Comment: This sequence change replaces tryptophan, which is neutral and slightly polar, with cysteine, which is neutral and slightly polar, at codon 354 of the MCOLN1 protein (p.Trp354Cys). This variant is not present in population databases (gnomAD no frequency). This variant has not been reported in the literature in individuals affected with MCOLN1-related conditions. ClinVar contains an entry for this variant (Variation ID: 1359278). Invitae Evidence Modeling of protein sequence and biophysical properties (such as structural, functional, and spatial information, amino acid conservation, physicochemical variation, residue mobility, and thermodynamic stability) indicates that this missense variant is expected to disrupt MCOLN1 protein function with a positive predictive value of 95%. In summary, the available evidence is currently insufficient to determine the role of this variant in disease. Therefore, it has been classified as a Variant of Uncertain Significance.